The following is an entry in ClinVar:

ClinVar aggregate classification (germline): Uncertain significance (1 of 4 stars; one submission).

Submission:

Labcorp Genetics (formerly Invitae), Labcorp
Classification: Uncertain significance. Last evaluated: 2021-08-20. Review status: criteria provided, single submitter. Criteria: Invitae Variant Classification Sherloc (09022015). Collection method: clinical testing. Allele origin: germline.
Comment: This sequence change replaces glutamic acid with glycine at codon 373 of the MUT protein (p.Glu373Gly). The glutamic acid residue is highly conserved and there is a moderate physicochemical difference between glutamic acid and glycine. This variant is not present in population databases (ExAC no frequency). This variant has not been reported in the literature in individuals affected with MUT-related conditions. Algorithms developed to predict the effect of missense changes on protein structure and function are either unavailable or do not agree on the potential impact of this missense change (SIFT: "Deleterious"; PolyPhen-2: "Probably Damaging"; Align-GVGD: "Class C0"). In summary, the available evidence is currently insufficient to determine the role of this variant in disease. Therefore, it has been classified as a Variant of Uncertain Significance.

NM_000255.4(MMUT):c.1118A>G (p.Glu373Gly)

Gene: MMUT (methylmalonyl-CoA mutase; minus strand). Cytogenetic location: 6p12.3.
Variant type: single nucleotide variant.
Coding change: c.1118A>G on transcript NM_000255.4 (MANE Select); coding-DNA position 1118, A replaced by G.
Protein change: p.Glu373Gly; replaces glutamic acid 373 with glycine.
Molecular consequence: missense variant.
Genome position (GRCh38, 1-based): chr6:49,451,680, T>C on the plus strand (A>G on the coding strand, the complement: MMUT is on the minus strand). VCF-style: chr6-49451680-T-C. GRCh37 (hg19) VCF-style: chr6-49419393-T-C.
Other names: short protein forms E373G.
Identifiers: ClinVar variation 1354196 (VCV001354196.5), dbSNP rs2127417967, ClinGen allele CA364399082.
Genomic context (GRCh38, chr6:49,451,680, plus strand): 5'-GCTTCATCAAAAGAATTTGTGTGCAAAGACTGAGTCCCTCCAAATACTGCTGCCATTGCT[T>C]CTATTGCAGTACGGACAATATTATTGTAGGGATCCTAAAATATTTGATAAAAAACAAAAA-3'
Protein context (NP_000246.2, residues 363-383): PYNNIVRTAI[Glu373Gly]AMAAVFGGTQ